The following is an entry in ClinVar:

NM_004818.3(DDX23):c.480+2T>C

Gene: DDX23 (DEAD-box helicase 23; minus strand). Cytogenetic location: 12q13.12.
Variant type: single nucleotide variant.
Coding change: c.480+2T>C on transcript NM_004818.3 (MANE Select); the canonical splice donor site of the intron after coding-DNA position 480, T replaced by C.
Molecular consequence: splice donor variant.
Genome position (GRCh38, 1-based): chr12:48,839,842, A>G on the plus strand (T>C on the coding strand, the complement: DDX23 is on the minus strand). VCF-style: chr12-48839842-A-G. GRCh37 (hg19) VCF-style: chr12-49233625-A-G.
Identifiers: ClinVar variation 3254977 (VCV003254977.1), dbSNP rs2498758666.

ClinVar aggregate classification (germline): Uncertain significance (1 of 4 stars; one submission).

Conditions:
Neurodevelopmental disorder. Identifiers: MedGen C1535926, MeSH D065886, MONDO:0700092.

Submission:

Victorian Clinical Genetics Services, Murdoch Childrens Research Institute
Classification: Uncertain significance for Neurodevelopmental disorder. Last evaluated: 2023-12-21. Review status: criteria provided, single submitter. Criteria: ACMG Guidelines, 2015. Collection method: clinical testing. Allele origin: germline. Inheritance: Autosomal dominant inheritance. Affected: yes.
Comment: Based on the classification scheme VCGS_Germline_v1.3.4, this variant is classified as VUS-3A. Following criteria are met: 0105 - The mechanism of disease for this gene is not clearly established. However dominant negative and gain of function are suspected mechanisms (PMID:34050707). (I) 0107 - This gene is associated with autosomal dominant disease. (I) 0211 - Canonical splice site variant without proven consequence on splicing (no functional evidence available). (SP) 0251 - This variant is heterozygous. (I) 0301 - Variant is absent from gnomAD (both v2 and v3). (SP) 0508 - In silico predictions for abnormal splicing are conflicting. (I) 0705 - No comparable canonical splice variants have previous evidence for pathogenicity. (I) 0807 - This variant has no previous evidence of pathogenicity. (I) 0905 - No published segregation evidence has been identified for this variant. (I) 1007 - No published functional evidence has been identified for this variant. (I) 1207 - Parental origin of the variant is unresolved. (I) Legend: (SP) - Supporting pathogenic, (I) - Information, (SB) - Supporting benign

Literature cited by the submitters: PubMed 34050707.